The following is an entry in ClinVar:

NM_004608.4(TBX6):c.1042dup (p.Ala348fs)

Gene: TBX6 (T-box transcription factor 6; minus strand). Cytogenetic location: 16p11.2.
Variant type: Duplication.
Coding change: c.1042dup on transcript NM_004608.4 (MANE Select); coding-DNA position 1042, one base duplicated (G; older notation c.1042dupG).
Protein change: p.Ala348fs; shifts the reading frame from alanine 348.
Molecular consequence: frameshift variant.
Genome position (GRCh38, 1-based): chr16:30,086,567, C duplicated on the plus strand (G on the coding strand, the reverse complement: TBX6 is on the minus strand); the first of 2 consecutive C bases (chr16:30,086,567-30,086,568); duplicating either gives the same sequence. VCF-style (leftmost placement, unchanged base first): chr16-30086566-G-GC. GRCh37 (hg19) VCF-style: chr16-30097887-G-GC.
Other names: short protein forms A348fs.
Identifiers: ClinVar variation 3685497 (VCV003685497.2).
Genomic context (GRCh38, chr16:30,086,566, plus strand): 5'-ACTCACCTGGTGGGAAGGTGACTGGGGGCCCCATGGAAAGCCGCAGGGTGCAGGAGGTAG[G>GC]CCTCAGCACTGGGGCCACCACACAGAGGTGCCGGGGCAGCGGTGGCTTCCCCGGGGGCTG-3'

ClinVar aggregate classification (germline): Uncertain significance (1 of 4 stars; one submission).

Submission:

Labcorp Genetics (formerly Invitae), Labcorp
Classification: Uncertain significance. Last evaluated: 2025-01-13. Review status: criteria provided, single submitter. Criteria: Invitae Variant Classification Sherloc (09022015). Collection method: clinical testing. Allele origin: germline.
Comment: This sequence change results in a frameshift in the TBX6 gene (p.Ala348Glyfs*139). While this is not anticipated to result in nonsense mediated decay, it is expected to disrupt the last 89 amino acid(s) of the TBX6 protein and extend the protein by 49 additional amino acid residues. This variant is not present in population databases (gnomAD no frequency). This variant has not been reported in the literature in individuals affected with TBX6-related conditions. Experimental studies and prediction algorithms are not available or were not evaluated, and the functional significance of this variant is currently unknown. In summary, the available evidence is currently insufficient to determine the role of this variant in disease. Therefore, it has been classified as a Variant of Uncertain Significance.